The following is an entry in ClinVar:

NM_000180.4(GUCY2D):c.2114-27_2263+18del

Gene: GUCY2D (guanylate cyclase 2D, retinal; plus strand). Cytogenetic location: 17p13.1.
Variant type: Deletion.
Coding change: c.2114-27_2263+18del on transcript NM_000180.4 (MANE Select); 27 bases into the intron before coding-DNA position 2114 through 18 bases into the intron after coding-DNA position 2263, 195 bases deleted.
Molecular consequence: splice acceptor variant, splice donor variant.
Genome position (GRCh38, 1-based): chr17:8,013,076-8,013,270, 195 bases deleted. GRCh37 (hg19): chr17:7,916,394-7,916,588.
Identifiers: ClinVar variation 430835 (VCV000430835.3), dbSNP rs1555635550, ClinGen allele CA658684006.

ClinVar aggregate classification (germline): Pathogenic (0 of 4 stars; one submission).

Conditions:
Leber congenital amaurosis 1 (LCA1). Also called: AMAUROSIS CONGENITA OF LEBER I; Congenital absence of the rods and cones; Leber's congenital tapetoretinal degeneration; Leber's congenital tapetoretinal dysplasia; RETINAL BLINDNESS, CONGENITAL. Identifiers: Orphanet 65, MedGen C2931258, MONDO:0008764, OMIM 204000.

Submission:

Noruzinia Laboratory, Tarbiat Modares University
Classification: Pathogenic for Leber congenital amaurosis 1. Last evaluated: 2016-07-01. Review status: no assertion criteria provided. Collection method: clinical testing. Allele origin: inherited. Inheritance: Autosomal recessive inheritance. Affected: yes. Observed: 12 variant alleles, 6 heterozygotes, 6 homozygotes.
Comment: This mutation caused Leber congenital amaurosis 1 in our studied patients.